The following is an entry in ClinVar:

NM_006015.6(ARID1A):c.4814C>T (p.Pro1605Leu)

Gene: ARID1A (AT-rich interaction domain 1A; plus strand). Cytogenetic location: 1p36.11.
Variant type: single nucleotide variant.
Coding change: c.4814C>T on transcript NM_006015.6 (MANE Select); coding-DNA position 4814, C replaced by T.
Protein change: p.Pro1605Leu; replaces proline 1605 with leucine.
Molecular consequence: missense variant.
Genome position (GRCh38, 1-based): chr1:26,775,041, C>T. VCF-style: chr1-26775041-C-T. GRCh37 (hg19) VCF-style: chr1-27101532-C-T.
Other names: c.4163C>T, p.Pro1388Leu (NM_139135.4); short protein forms P1388L, P1605L.
Identifiers: ClinVar variation 3711714 (VCV003711714.4).

ClinVar aggregate classification (germline): Conflicting classifications of pathogenicity. Review status: criteria provided, conflicting classifications (1 of 4 stars). 3 submissions from 3 submitters: Uncertain significance (2); Likely benign (1). Last evaluated 2025-09-22.

Conditions:
ARID1A-related disorder. Also called: ARID1A-related condition.

gnomAD v4.1: 31 of 1,611,598 alleles (0.0019%); highest among the groups gnomAD compares: Non-Finnish European, 0.0025%; no homozygotes.

Submissions (3):

Labcorp Genetics (formerly Invitae), Labcorp
Classification: Uncertain significance. Last evaluated: 2025-09-22. Review status: criteria provided, single submitter. Criteria: Invitae Variant Classification Sherloc (09022015). Collection method: clinical testing. Allele origin: germline.
Comment: This sequence change replaces proline, which is neutral and non-polar, with leucine, which is neutral and non-polar, at codon 1605 of the ARID1A protein (p.Pro1605Leu). This variant is present in population databases (rs375431469, gnomAD 0.002%). This variant has not been reported in the literature in individuals affected with ARID1A-related conditions. ClinVar contains an entry for this variant (Variation ID: 3711714). Invitae Evidence Modeling of protein sequence and biophysical properties (such as structural, functional, and spatial information, amino acid conservation, physicochemical variation, residue mobility, and thermodynamic stability) has been performed for this missense variant. However, the output from this modeling did not meet the statistical confidence thresholds required to predict the impact of this variant on ARID1A protein function. In summary, the available evidence is currently insufficient to determine the role of this variant in disease. Therefore, it has been classified as a Variant of Uncertain Significance.

PreventionGenetics, part of Exact Sciences
Classification: Likely benign for ARID1A-related condition. Last evaluated: 2025-08-28. Review status: criteria provided, single submitter. Criteria: ACMG Guidelines, 2015. Collection method: clinical testing. Allele origin: germline.
Comment: This variant is classified as likely benign based on ACMG/AMP sequence variant interpretation guidelines (Richards et al. 2015 PMID: 25741868, with internal and published modifications).

Blueprint Genetics
Classification: Uncertain significance. Last evaluated: 2024-04-10. Review status: criteria provided, single submitter. Criteria: ACMG Guidelines, 2015. Collection method: clinical testing. Allele origin: germline.